The following is an entry in ClinVar:

ClinVar aggregate classification (germline): Uncertain significance (1 of 4 stars; one submission).

Conditions:
Inborn genetic diseases. Identifiers: MedGen C0950123, MeSH D030342.

Submission:

Ambry Genetics
Classification: Uncertain significance for Inborn genetic diseases. Last evaluated: 2025-04-05. Review status: criteria provided, single submitter. Criteria: Ambry Variant Classification Scheme 2023. Collection method: clinical testing. Allele origin: germline.
Comment: The p.A694V variant (also known as c.2081C>T), located in coding exon 20 of the ANKRD26 gene, results from a C to T substitution at nucleotide position 2081. The alanine at codon 694 is replaced by valine, an amino acid with similar properties. This amino acid position is conserved. In addition, this alteration is predicted to be tolerated by in silico analysis. Based on the available evidence, the clinical significance of this variant remains unclear.

NM_014915.3(ANKRD26):c.2081C>T (p.Ala694Val)

Gene: ANKRD26 (ankyrin repeat domain containing 26; minus strand). Cytogenetic location: 10p12.1.
Variant type: single nucleotide variant.
Coding change: c.2081C>T on transcript NM_014915.3 (MANE Select); coding-DNA position 2081, C replaced by T.
Protein change: p.Ala694Val; replaces alanine 694 with valine.
Molecular consequence: missense variant.
Genome position (GRCh38, 1-based): chr10:27,043,506, G>A on the plus strand (C>T on the coding strand, the complement: ANKRD26 is on the minus strand). VCF-style: chr10-27043506-G-A. GRCh37 (hg19) VCF-style: chr10-27332435-G-A.
Other names: c.2078C>T, p.Ala693Val (NM_001256053.2); short protein forms A693V, A694V.
Identifiers: ClinVar variation 3913588 (VCV003913588.1).